The following is an entry in ClinVar:

ClinVar aggregate classification (germline): Uncertain significance (1 of 4 stars; one submission).

Conditions:
Familial hemiplegic migraine. Identifiers: MedGen C0338484, MONDO:0000700.

Allele frequency attached by ClinVar (database versions not stated): gnomAD exomes below 0.00001.
gnomAD v4.1: 1 of 1,614,128 alleles (0.000062%); highest among the groups gnomAD compares: Admixed American, 0.0017%; no homozygotes.

Submission:

Labcorp Genetics (formerly Invitae), Labcorp
Classification: Uncertain significance for Familial hemiplegic migraine. Last evaluated: 2020-08-31. Review status: criteria provided, single submitter. Criteria: Invitae Variant Classification Sherloc (09022015). Collection method: clinical testing. Allele origin: germline.
Comment: In summary, the available evidence is currently insufficient to determine the role of this variant in disease. Therefore, it has been classified as a Variant of Uncertain Significance. Algorithms developed to predict the effect of missense changes on protein structure and function (SIFT, PolyPhen-2, Align-GVGD) all suggest that this variant is likely to be disruptive, but these predictions have not been confirmed by published functional studies and their clinical significance is uncertain. This variant has not been reported in the literature in individuals with ATP1A2-related conditions. This variant is not present in population databases (ExAC no frequency). This sequence change replaces asparagine with tyrosine at codon 353 of the ATP1A2 protein (p.Asn353Tyr). The asparagine residue is highly conserved and there is a large physicochemical difference between asparagine and tyrosine.

NM_000702.4(ATP1A2):c.1057A>T (p.Asn353Tyr)

Gene: ATP1A2 (ATPase Na+/K+ transporting subunit alpha 2; plus strand). Cytogenetic location: 1q23.2.
Variant type: single nucleotide variant.
Coding change: c.1057A>T on transcript NM_000702.4 (MANE Select); coding-DNA position 1057, A replaced by T.
Protein change: p.Asn353Tyr; replaces asparagine 353 with tyrosine.
Molecular consequence: missense variant.
Genome position (GRCh38, 1-based): chr1:160,128,691, A>T. VCF-style: chr1-160128691-A-T. GRCh37 (hg19) VCF-style: chr1-160098481-A-T.
Other names: short protein forms N353Y.
Identifiers: ClinVar variation 1043305 (VCV001043305.8), dbSNP rs1454080069, ClinGen allele CA343239223.